The following is an entry in ClinVar:

ClinVar aggregate classification (germline): Uncertain significance (1 of 4 stars; one submission).

gnomAD v4.1: 8 of 1,252,424 alleles (0.00064%); highest among the groups gnomAD compares: Non-Finnish European, 0.00087%; no homozygotes.

Submission:

Labcorp Genetics (formerly Invitae), Labcorp
Classification: Uncertain significance. Last evaluated: 2024-04-17. Review status: criteria provided, single submitter. Criteria: Invitae Variant Classification Sherloc (09022015). Collection method: clinical testing. Allele origin: germline.
Comment: This sequence change falls in intron 4 of the SPPL2A gene. It does not directly change the encoded amino acid sequence of the SPPL2A protein. It affects a nucleotide within the consensus splice site. This variant is not present in population databases (gnomAD no frequency). This variant has not been reported in the literature in individuals affected with SPPL2A-related conditions. Variants that disrupt the consensus splice site are a relatively common cause of aberrant splicing (PMID: 17576681, 9536098). Algorithms developed to predict the effect of sequence changes on RNA splicing suggest that this variant is not likely to affect RNA splicing. In summary, the available evidence is currently insufficient to determine the role of this variant in disease. Therefore, it has been classified as a Variant of Uncertain Significance.

Literature cited by the submitters: PubMed 17576681; PubMed 9536098.

NM_032802.4(SPPL2A):c.450+5A>G

Gene: SPPL2A (signal peptide peptidase like 2A; minus strand). Cytogenetic location: 15q21.2.
Variant type: single nucleotide variant.
Coding change: c.450+5A>G on transcript NM_032802.4 (MANE Select); 5 bases into the intron after coding-DNA position 450, A replaced by G.
Molecular consequence: intron variant.
Genome position (GRCh38, 1-based): chr15:50,748,108, T>C on the plus strand (A>G on the coding strand, the complement: SPPL2A is on the minus strand). VCF-style: chr15-50748108-T-C. GRCh37 (hg19) VCF-style: chr15-51040305-T-C.
Identifiers: ClinVar variation 3692585 (VCV003692585.2).
Genomic context (GRCh38, chr15:50,748,108, plus strand): 5'-TAGTGATTAAAAATAAAGAGATACAGTATTTATAAACTTTATCTAATATGTAATTGCTAA[T>C]TTACCTGGTTCATATCTCTAAAGTCTTTGTAGCTTATAAATGCAATCAGTATTTTCACAT-3'